The following is an entry in ClinVar:

NM_001014447.3(CPZ):c.1674C>T (p.Tyr558=)

Gene: CPZ (carboxypeptidase Z; plus strand). Cytogenetic location: 4p16.1.
Variant type: single nucleotide variant.
Coding change: c.1674C>T on transcript NM_001014447.3 (MANE Select); coding-DNA position 1674, C replaced by T.
Protein change: p.Tyr558=; no amino-acid change (tyrosine 558 retained).
Molecular consequence: synonymous variant.
Genome position (GRCh38, 1-based): chr4:8,619,332, C>T. VCF-style: chr4-8619332-C-T. GRCh37 (hg19) VCF-style: chr4-8621059-C-T.
Other names: c.1263C>T, p.Tyr421= (NM_001014448.3); c.1641C>T, p.Tyr547= (NM_003652.4).
Identifiers: ClinVar variation 3034277 (VCV003034277.2), dbSNP rs142996350, ClinGen allele CA2854044.

ClinVar aggregate classification (germline): Likely benign (0 of 4 stars; one submission).

Conditions:
CPZ-related disorder. Also called: CPZ-related condition.

Allele frequency attached by ClinVar (database versions not stated): 1000 Genomes Project 30x 0.00031; 1000 Genomes Project 0.00040; ESP Exome Variant Server 0.00138.
gnomAD v4.1: 494 of 1,614,136 alleles (0.031%); highest among the groups gnomAD compares: African/African-American, 0.33%; 2 homozygotes.

Submission:

PreventionGenetics, part of Exact Sciences
Classification: Likely benign for CPZ-related condition. Last evaluated: 2020-01-02. Review status: no assertion criteria provided. Collection method: clinical testing. Allele origin: germline.
Comment: This variant is classified as likely benign based on ACMG/AMP sequence variant interpretation guidelines (Richards et al. 2015 PMID: 25741868, with internal and published modifications).